The following is an entry in ClinVar:

NM_020964.3(EPG5):c.5608G>C (p.Ala1870Pro)

Gene: EPG5 (ectopic P-granules 5 autophagy tethering factor; minus strand). Cytogenetic location: 18q12.3.
Variant type: single nucleotide variant.
Coding change: c.5608G>C on transcript NM_020964.3 (MANE Select); coding-DNA position 5608, G replaced by C.
Protein change: p.Ala1870Pro; replaces alanine 1870 with proline.
Molecular consequence: missense variant.
Genome position (GRCh38, 1-based): chr18:45,880,134, C>G on the plus strand (G>C on the coding strand, the complement: EPG5 is on the minus strand). VCF-style: chr18-45880134-C-G. GRCh37 (hg19) VCF-style: chr18-43460099-C-G.
Other names: c.5608G>C, p.Ala1870Pro (NM_001410858.1, NM_001410859.1); short protein forms A1870P.
Identifiers: ClinVar variation 2130437 (VCV002130437.4), dbSNP rs2511576643, ClinGen allele CA402343444.

ClinVar aggregate classification (germline): Uncertain significance (1 of 4 stars; one submission).

Conditions:
Vici syndrome (VICIS). Identifiers: Orphanet 1493, MedGen C1855772, MONDO:0009452, OMIM 242840.

Submission:

Labcorp Genetics (formerly Invitae), Labcorp
Classification: Uncertain significance for Vici syndrome. Last evaluated: 2025-01-06. Review status: criteria provided, single submitter. Criteria: Invitae Variant Classification Sherloc (09022015). Collection method: clinical testing. Allele origin: germline.
Comment: This sequence change replaces alanine, which is neutral and non-polar, with proline, which is neutral and non-polar, at codon 1870 of the EPG5 protein (p.Ala1870Pro). This variant is not present in population databases (gnomAD no frequency). This variant has not been reported in the literature in individuals affected with EPG5-related conditions. ClinVar contains an entry for this variant (Variation ID: 2130437). Invitae Evidence Modeling of protein sequence and biophysical properties (such as structural, functional, and spatial information, amino acid conservation, physicochemical variation, residue mobility, and thermodynamic stability) indicates that this missense variant is not expected to disrupt EPG5 protein function with a negative predictive value of 80%. In summary, the available evidence is currently insufficient to determine the role of this variant in disease. Therefore, it has been classified as a Variant of Uncertain Significance.